The following is an entry in ClinVar:

ClinVar aggregate classification (germline): Uncertain significance. Review status: criteria provided, multiple submitters, no conflicts (2 of 4 stars). 2 submissions from 2 submitters: Uncertain significance (2). Last evaluated 2026-08-24.

Conditions:
BNC2-related disorder. Also called: BNC2-related condition.
Inborn genetic diseases. Identifiers: MedGen C0950123, MeSH D030342.

Submissions (2):

PreventionGenetics, part of Exact Sciences
Classification: Uncertain significance for BNC2-related condition. Last evaluated: 2026-08-24. Review status: criteria provided, single submitter. Criteria: ACMG Guidelines, 2015. Collection method: clinical testing. Allele origin: germline.
Comment: The BNC2 c.1186A>G variant is predicted to result in the amino acid substitution p.Lys396Glu. To our knowledge, this variant has not been reported in the literature or in a large population database (gnomAD), indicating this variant is rare. At this time, the clinical significance of this variant is uncertain due to the absence of conclusive functional and genetic evidence.

Ambry Genetics
Classification: Uncertain significance for Inborn genetic diseases. Last evaluated: 2022-12-28. Review status: criteria provided, single submitter. Criteria: Ambry Variant Classification Scheme 2023. Collection method: clinical testing. Allele origin: germline.

NM_017637.6(BNC2):c.1186A>G (p.Lys396Glu)

Gene: BNC2 (basonuclin zinc finger protein 2; minus strand). Cytogenetic location: 9p22.3.
Variant type: single nucleotide variant.
Coding change: c.1186A>G on transcript NM_017637.6 (MANE Select); coding-DNA position 1186, A replaced by G.
Protein change: p.Lys396Glu; replaces lysine 396 with glutamic acid.
Molecular consequence: missense variant.
Genome position (GRCh38, 1-based): chr9:16,437,008, T>C on the plus strand (A>G on the coding strand, the complement: BNC2 is on the minus strand). VCF-style: chr9-16437008-T-C. GRCh37 (hg19) VCF-style: chr9-16437006-T-C.
Other names: c.1060A>G, p.Lys354Glu (NM_001317939.2); c.901A>G, p.Lys301Glu (NM_001317940.2); short protein forms K354E, K396E, K301E.
Identifiers: ClinVar variation 2340300 (VCV002340300.3), dbSNP rs2547717341, ClinGen allele CA372994638.